The following is an entry in ClinVar:

ClinVar aggregate classification (germline): Likely pathogenic (1 of 4 stars; one submission).

Conditions:
Dilated cardiomyopathy 1G (CMD1G). Identifiers: Orphanet 154, MedGen C1858763, MONDO:0011400, OMIM 604145.
Autosomal recessive limb-girdle muscular dystrophy type 2J (LGMDR10). Also called: Limb-girdle muscular dystrophy, type 2J; MUSCULAR DYSTROPHY, LIMB-GIRDLE, AUTOSOMAL RECESSIVE 10. Identifiers: Orphanet 140922, MedGen C1837342, MONDO:0012127, OMIM 608807.

Submission:

Labcorp Genetics (formerly Invitae), Labcorp
Classification: Likely pathogenic for Dilated cardiomyopathy 1G; Autosomal recessive limb-girdle muscular dystrophy type 2J. Last evaluated: 2022-12-13. Review status: criteria provided, single submitter. Criteria: Invitae Variant Classification Sherloc (09022015). Collection method: clinical testing. Allele origin: germline.
Comment: In summary, the currently available evidence indicates that the variant is pathogenic, but additional data are needed to prove that conclusively. Therefore, this variant has been classified as Likely Pathogenic. This variant is located in the A band of TTN (PMID: 25589632). Truncating variants in this region are significantly overrepresented in patients affected with dilated cardiomyopathy (PMID: 25589632). Truncating variants in this region have also been reported in individuals affected with autosomal recessive centronuclear myopathy (PMID: 23975875). This variant has not been reported in the literature in individuals affected with TTN-related conditions. This variant is not present in population databases (gnomAD no frequency). This sequence change creates a premature translational stop signal (p.Gly26823Argfs*3) in the TTN gene. While this is not anticipated to result in nonsense mediated decay, it is expected to create a truncated TTN protein.

Literature cited by the submitters: PubMed 25589632; PubMed 23975875.

NM_001267550.2(TTN):c.80466dup (p.Gly26823fs)

Genes: TTN (titin; minus strand), TTN-AS1 (TTN antisense RNA 1; plus strand). Cytogenetic location: 2q31.2.
Variant type: Duplication.
Coding change: c.80466dup on transcript NM_001267550.2 (MANE Select); coding-DNA position 80466, one base duplicated (A; older notation c.80466dupA).
Protein change: p.Gly26823fs; shifts the reading frame from glycine 26823.
Molecular consequence: frameshift variant.
Genome position (GRCh38, 1-based): chr2:178,565,666, T duplicated on the plus strand (A on the coding strand, the reverse complement: TTN is on the minus strand); the first of 3 consecutive T bases (chr2:178,565,666-178,565,668); duplicating any one gives the same sequence. VCF-style (leftmost placement, unchanged base first): chr2-178565665-C-CT. GRCh37 (hg19) VCF-style: chr2-179430392-C-CT.
Other names: c.75543dup, p.Gly25182fs (NM_001256850.1); c.53271dup, p.Gly17758fs (NM_003319.4); c.72762dup, p.Gly24255fs (NM_133378.4); c.53646dup, p.Gly17883fs (NM_133432.3); c.53847dup, p.Gly17950fs (NM_133437.4); short protein forms G17758fs, G17950fs, G26823fs, G17883fs, G25182fs, G24255fs.
Identifiers: ClinVar variation 2025499 (VCV002025499.4), dbSNP rs2468255187, ClinGen allele CA2580064825.